The following is an entry in ClinVar:

ClinVar aggregate classification (germline): Uncertain significance (1 of 4 stars; one submission).

Conditions:
Pure or complex autosomal recessive spastic paraplegia. Identifiers: Orphanet 320346, MedGen C5679887, MONDO:0017915.

Allele frequency attached by ClinVar (database versions not stated): ExAC 0.00001; gnomAD exomes 0.00001.
gnomAD v4.1: 3 of 1,613,940 alleles (0.00019%); highest among the groups gnomAD compares: Non-Finnish European, 0.00025%; no homozygotes.

Submission:

Labcorp Genetics (formerly Invitae), Labcorp
Classification: Uncertain significance for Pure or complex autosomal recessive spastic paraplegia. Last evaluated: 2022-06-13. Review status: criteria provided, single submitter. Criteria: Invitae Variant Classification Sherloc (09022015). Collection method: clinical testing. Allele origin: germline.
Comment: In summary, the available evidence is currently insufficient to determine the role of this variant in disease. Therefore, it has been classified as a Variant of Uncertain Significance. Algorithms developed to predict the effect of missense changes on protein structure and function are either unavailable or do not agree on the potential impact of this missense change (SIFT: "Deleterious"; PolyPhen-2: "Not Available"; Align-GVGD: "Class C0"). This variant has not been reported in the literature in individuals affected with ZFR-related conditions. This variant is present in population databases (rs763382284, gnomAD 0.0009%). This sequence change replaces threonine, which is neutral and polar, with alanine, which is neutral and non-polar, at codon 248 of the ZFR protein (p.Thr248Ala).

NM_016107.5(ZFR):c.742A>G (p.Thr248Ala)

Gene: ZFR (zinc finger RNA binding protein; minus strand). Cytogenetic location: 5p13.3.
Variant type: single nucleotide variant.
Coding change: c.742A>G on transcript NM_016107.5 (MANE Select); coding-DNA position 742, A replaced by G.
Protein change: p.Thr248Ala; replaces threonine 248 with alanine.
Molecular consequence: missense variant. On other transcripts: non-coding transcript variant (1).
Genome position (GRCh38, 1-based): chr5:32,415,011, T>C on the plus strand (A>G on the coding strand, the complement: ZFR is on the minus strand). VCF-style: chr5-32415011-T-C. GRCh37 (hg19) VCF-style: chr5-32415116-T-C.
Other names: short protein forms T248A.
Identifiers: ClinVar variation 1977732 (VCV001977732.5), dbSNP rs763382284, ClinGen allele CA3221994.
Genomic context (GRCh38, chr5:32,415,011, plus strand): 5'-ACAGTTTATCAGTCTTACCAGAATATGTAACTGCTGTGGTACTGTAAGTAGCACTCTGAG[T>C]ATAGGATGGCACCACAGTAGCCGCAGCTGCTACTGGCTGTACGGTGGAGGATACAGGATA-3'
Protein context (NP_057191.2, residues 238-258): AAAATVVPSY[Thr248Ala]QSATYSTTAV